The following is an entry in ClinVar:

ClinVar aggregate classification (germline): Likely pathogenic (1 of 4 stars; one submission).

Conditions:
Cardiovascular phenotype. Identifiers: MedGen CN230736.

Submission:

Molecular Diagnostic Laboratory for Inherited Cardiovascular Disease, Montreal Heart Institute
Classification: Likely pathogenic for Cardiovascular phenotype. Last evaluated: 2026-08-18. Review status: criteria provided, single submitter. Criteria: ACMG Guidelines, 2015. Collection method: clinical testing. Allele origin: germline. Affected: yes.
Comment: PVS1, PM2

NM_001458.5(FLNC):c.25_34del (p.Asp9fs)

Gene: FLNC (filamin C; plus strand). Cytogenetic location: 7q32.1.
Variant type: Deletion.
Coding change: c.25_34del on transcript NM_001458.5 (MANE Select); coding-DNA positions 25 to 34, 10 bases deleted (GACGCCGGCC; older notation c.25_34delGACGCCGGCC).
Protein change: p.Asp9fs; shifts the reading frame from aspartic acid 9.
Molecular consequence: frameshift variant.
Genome position (GRCh38, 1-based): chr7:128,830,662-128,830,671, GACGCCGGCC deleted. VCF-style (leftmost placement, unchanged base first): chr7-128830661-AGACGCCGGCC-A. GRCh37 (hg19) VCF-style: chr7-128470715-AGACGCCGGCC-A.
Other names: c.25_34del, p.Asp9fs (NM_001127487.2); c.25_34delGACGCCGGCC, p.Asp9Serfs (NM_001458.4); short protein forms D9fs.
Identifiers: ClinVar variation 5037824 (VCV005037824.1).